The following is an entry in ClinVar:

NM_001302371.3(NBPF10):c.1854-4C>G

Gene: NBPF10 (NBPF member 10; minus strand). Cytogenetic location: 1q21.1.
Variant type: single nucleotide variant.
Coding change: c.1854-4C>G on transcript NM_001302371.3 (MANE Select); 4 bases into the intron before coding-DNA position 1854, C replaced by G.
Molecular consequence: intron variant.
Genome position (GRCh38, 1-based): chr1:146,126,412, G>C on the plus strand (C>G on the coding strand, the complement: NBPF10 is on the minus strand). VCF-style: chr1-146126412-G-C. GRCh37 (hg19) VCF-style: chr1-145311782-C-G.
Other names: c.1854-4C>G (NM_001039703.6).
Identifiers: ClinVar variation 4534222 (VCV004534222.6).

ClinVar aggregate classification (germline): Likely benign (1 of 4 stars; one submission).

gnomAD v4.1: 27 of 1,181,410 alleles (0.0023%); highest among the groups gnomAD compares: Non-Finnish European, 0.0034%; 2 homozygotes.

Submission:

CeGaT Center for Human Genetics Tuebingen
Classification: Likely benign. Last evaluated: 2025-10-01. Review status: criteria provided, single submitter. Criteria: CeGaT Center For Human Genetics Tuebingen Variant Classification Criteria Version 2. Collection method: clinical testing. Allele origin: germline. Affected: yes. Observed: 1 variant allele.
Comment: NBPF10: BP4, BS2